The following is an entry in ClinVar:

ClinVar aggregate classification (germline): Likely pathogenic. Review status: criteria provided, multiple submitters, no conflicts (2 of 4 stars). 2 submissions from 2 submitters: Likely pathogenic (2). Last evaluated 2024-06-25.

Conditions:
ELP1-Associated Medulloblastoma. Identifiers: MedGen C5670652.

Allele frequency attached by ClinVar (database versions not stated): gnomAD exomes below 0.00001.

Submissions (2):

Institute for Genomic Medicine (IGM) Clinical Laboratory, Nationwide Children's Hospital
Classification: Likely pathogenic for ELP1-Associated Medulloblastoma. Last evaluated: 2024-06-25. Review status: criteria provided, single submitter. Criteria: ACMG Guidelines, 2015. Collection method: clinical testing. Allele origin: germline.
Comment: This variant is predicted to result in loss of function through nonsense-mediated decay of the encoded transcript or premature truncation of the encoded protein in a gene in which loss of function is a known mechanism of disease (ACMG/AMP: PVS1; PMIDs:32296180, 34687117). This variant is absent from or present at an exceedingly low frequency in gnomAD, a large-scale control population database (ACMG/AMP: PM2).

Labcorp Genetics (formerly Invitae), Labcorp
Classification: Likely pathogenic. Last evaluated: 2023-01-16. Review status: criteria provided, single submitter. Criteria: Invitae Variant Classification Sherloc (09022015). Collection method: clinical testing. Allele origin: germline.
Comment: This sequence change affects a donor splice site in intron 25 of the ELP1 gene. It is expected to disrupt RNA splicing. Variants that disrupt the donor or acceptor splice site typically lead to a loss of protein function (PMID: 16199547), and loss-of-function variants in ELP1 are known to be pathogenic (PMID: 18303054, 24173031). In summary, the currently available evidence indicates that the variant is pathogenic, but additional data are needed to prove that conclusively. Therefore, this variant has been classified as Likely Pathogenic. Algorithms developed to predict the effect of sequence changes on RNA splicing suggest that this variant may disrupt the consensus splice site. This variant has not been reported in the literature in individuals affected with ELP1-related conditions. This variant is not present in population databases (gnomAD no frequency).

Literature cited by the submitters: PubMed 32296180 (cited by Institute for Genomic Medicine (IGM) Clinical Laboratory, Nationwide Children's Hospital); PubMed 34687117 (cited by Institute for Genomic Medicine (IGM) Clinical Laboratory, Nationwide Children's Hospital); PubMed 16199547 (cited by Labcorp Genetics (formerly Invitae), Labcorp); PubMed 18303054 (cited by Labcorp Genetics (formerly Invitae), Labcorp); PubMed 24173031 (cited by Labcorp Genetics (formerly Invitae), Labcorp).

NM_003640.5(ELP1):c.2736+1G>C

Gene: ELP1 (elongator acetyltransferase complex subunit 1; minus strand). Cytogenetic location: 9q31.3.
Variant type: single nucleotide variant.
Coding change: c.2736+1G>C on transcript NM_003640.5 (MANE Select); the canonical splice donor site of the intron after coding-DNA position 2736, G replaced by C.
Molecular consequence: splice donor variant.
Genome position (GRCh38, 1-based): chr9:108,896,495, C>G on the plus strand (G>C on the coding strand, the complement: ELP1 is on the minus strand). VCF-style: chr9-108896495-C-G. GRCh37 (hg19) VCF-style: chr9-111658775-C-G.
Other names: c.2394+1G>C (NM_001318360.2); c.1689+1G>C (NM_001330749.2).
Identifiers: ClinVar variation 2783252 (VCV002783252.4), dbSNP rs1828551795, ClinGen allele CA374419708.